The following is an entry in ClinVar:

ClinVar aggregate classification (germline): Uncertain significance (1 of 4 stars; one submission).

Submission:

Labcorp Genetics (formerly Invitae), Labcorp
Classification: Uncertain significance. Last evaluated: 2022-08-30. Review status: criteria provided, single submitter. Criteria: Invitae Variant Classification Sherloc (09022015). Collection method: clinical testing. Allele origin: germline.
Comment: In summary, the available evidence is currently insufficient to determine the role of this variant in disease. Therefore, it has been classified as a Variant of Uncertain Significance. Advanced modeling of protein sequence and biophysical properties (such as structural, functional, and spatial information, amino acid conservation, physicochemical variation, residue mobility, and thermodynamic stability) performed at Invitae indicates that this missense variant is expected to disrupt COL2A1 protein function. This missense change has been observed in individual(s) with clinical features of Stickler syndrome (Invitae). This variant is not present in population databases (gnomAD no frequency). This sequence change replaces cysteine, which is neutral and slightly polar, with tyrosine, which is neutral and polar, at codon 55 of the COL2A1 protein (p.Cys55Tyr).

NM_001844.5(COL2A1):c.164G>A (p.Cys55Tyr)

Gene: COL2A1 (collagen type II alpha 1 chain; minus strand). Cytogenetic location: 12q13.11.
Variant type: single nucleotide variant.
Coding change: c.164G>A on transcript NM_001844.5 (MANE Select); coding-DNA position 164, G replaced by A.
Protein change: p.Cys55Tyr; replaces cysteine 55 with tyrosine.
Molecular consequence: missense variant. On other transcripts: intron variant (1).
Genome position (GRCh38, 1-based): chr12:48,000,047, C>T on the plus strand (G>A on the coding strand, the complement: COL2A1 is on the minus strand). VCF-style: chr12-48000047-C-T. GRCh37 (hg19) VCF-style: chr12-48393830-C-T.
Other names: c.86-1616G>A (NM_033150.3); short protein forms C55Y.
Identifiers: ClinVar variation 1718071 (VCV001718071.5), dbSNP rs2540187702, ClinGen allele CA384526424.